The following is an entry in ClinVar:

NM_014714.4(IFT140):c.3402C>T (p.Ile1134=)

Gene: IFT140 (intraflagellar transport 140; minus strand). Cytogenetic location: 16p13.3.
Variant type: single nucleotide variant.
Coding change: c.3402C>T on transcript NM_014714.4 (MANE Select); coding-DNA position 3402, C replaced by T.
Protein change: p.Ile1134=; no amino-acid change (isoleucine 1134 retained).
Molecular consequence: synonymous variant.
Genome position (GRCh38, 1-based): chr16:1,523,569, G>A on the plus strand (C>T on the coding strand, the complement: IFT140 is on the minus strand). VCF-style: chr16-1523569-G-A. GRCh37 (hg19) VCF-style: chr16-1573570-G-A.
Identifiers: ClinVar variation 318011 (VCV000318011.16), dbSNP rs761692949, ClinGen allele CA7813185.

ClinVar aggregate classification (germline): Conflicting classifications of pathogenicity. Review status: criteria provided, conflicting classifications (1 of 4 stars). 4 submissions from 4 submitters: Uncertain significance (1); Likely benign (3). Last evaluated 2026-07-07.

Conditions:
Saldino-Mainzer syndrome (SRTD9). Also called: short-rib thoracic dysplasia 9 with or without polydactyly; SHORT-RIB THORACIC DYSPLASIA 9 WITHOUT POLYDACTYLY; Renal dysplasia, retinal pigmentary dystrophy, cerebellar ataxia and skeletal dysplasia; CONORENAL SYNDROME. Identifiers: Orphanet 140969, MedGen C1849437, MONDO:0009964, OMIM 266920.
IFT140-related disorder. Also called: IFT140-related condition.

Allele frequency attached by ClinVar (database versions not stated): gnomAD 0.00001; gnomAD exomes 0.00002; TOPMed 0.00002; ExAC 0.00003.
gnomAD v4.1: 27 of 1,613,532 alleles (0.0017%); highest among the groups gnomAD compares: Non-Finnish European, 0.0019%; no homozygotes.

Submissions (4):

PreventionGenetics, part of Exact Sciences
Classification: Likely benign for IFT140-related condition. Last evaluated: 2026-07-07. Review status: criteria provided, single submitter. Criteria: ACMG Guidelines, 2015. Collection method: clinical testing. Allele origin: germline.
Comment: This variant is classified as likely benign based on ACMG/AMP sequence variant interpretation guidelines (Richards et al. 2015 PMID: 25741868, with internal and published modifications).

Labcorp Genetics (formerly Invitae), Labcorp
Classification: Likely benign for Saldino-Mainzer syndrome. Last evaluated: 2025-02-24. Review status: criteria provided, single submitter. Criteria: Invitae Variant Classification Sherloc (09022015). Collection method: clinical testing. Allele origin: germline.

Blueprint Genetics
Classification: Likely benign. Last evaluated: 2024-07-17. Review status: criteria provided, single submitter. Criteria: ACMG Guidelines, 2015. Collection method: clinical testing. Allele origin: germline.

Illumina Laboratory Services, Illumina
Classification: Uncertain significance for Saldino-Mainzer syndrome. Last evaluated: 2018-01-12. Review status: criteria provided, single submitter. Criteria: ICSL Variant Classification Criteria 13 December 2019. Collection method: clinical testing. Allele origin: germline.